The following is an entry in ClinVar:

ClinVar aggregate classification (germline): Pathogenic (1 of 4 stars; one submission).

Allele frequency attached by ClinVar (database versions not stated): gnomAD exomes below 0.00001.

Submission:

Labcorp Genetics (formerly Invitae), Labcorp
Classification: Pathogenic. Last evaluated: 2022-06-27. Review status: criteria provided, single submitter. Criteria: Invitae Variant Classification Sherloc (09022015). Collection method: clinical testing. Allele origin: germline.
Comment: This sequence change creates a premature translational stop signal (p.Gln2995*) in the PCNT gene. It is expected to result in an absent or disrupted protein product. Loss-of-function variants in PCNT are known to be pathogenic (PMID: 18174396, 22821869). The frequency data for this variant in the population databases is considered unreliable, as metrics indicate poor data quality at this position in the gnomAD database. This variant has not been reported in the literature in individuals affected with PCNT-related conditions. For these reasons, this variant has been classified as Pathogenic.

Literature cited by the submitters: PubMed 18174396; PubMed 22821869.

NM_006031.6(PCNT):c.8983C>T (p.Gln2995Ter)

Gene: PCNT (pericentrin; plus strand). Cytogenetic location: 21q22.3.
Variant type: single nucleotide variant.
Coding change: c.8983C>T on transcript NM_006031.6 (MANE Select); coding-DNA position 8983, C replaced by T.
Protein change: p.Gln2995Ter; replaces glutamine 2995 with a stop codon.
Molecular consequence: nonsense.
Genome position (GRCh38, 1-based): chr21:46,436,135, C>T. VCF-style: chr21-46436135-C-T. GRCh37 (hg19) VCF-style: chr21-47856048-C-T.
Other names: c.8392C>T, p.Gln2798Ter (NM_001315529.2); short protein forms Q2798*, Q2995*.
Identifiers: ClinVar variation 2131261 (VCV002131261.4), dbSNP rs1467465878, ClinGen allele CA410575517.